The following is an entry in ClinVar:

NM_007254.4(PNKP):c.161T>A (p.Val54Asp)

Gene: PNKP (polynucleotide kinase 3'-phosphatase; minus strand). Cytogenetic location: 19q13.33.
Variant type: single nucleotide variant.
Coding change: c.161T>A on transcript NM_007254.4 (MANE Select); coding-DNA position 161, T replaced by A.
Protein change: p.Val54Asp; replaces valine 54 with aspartic acid.
Molecular consequence: missense variant.
Genome position (GRCh38, 1-based): chr19:49,866,436, A>T on the plus strand (T>A on the coding strand, the complement: PNKP is on the minus strand). VCF-style: chr19-49866436-A-T. GRCh37 (hg19) VCF-style: chr19-50369693-A-T.
Other names: short protein forms V54D.
Identifiers: ClinVar variation 1346657 (VCV001346657.8), dbSNP rs2074821139, ClinGen allele CA406893184.

ClinVar aggregate classification (germline): Uncertain significance (1 of 4 stars; one submission).

Conditions:
Developmental and epileptic encephalopathy, 12 (DEE12). Identifiers: MedGen C3150988, MONDO:0013389, OMIM 613722.

Submission:

Labcorp Genetics (formerly Invitae), Labcorp
Classification: Uncertain significance for Developmental and epileptic encephalopathy, 12. Last evaluated: 2021-05-04. Review status: criteria provided, single submitter. Criteria: Invitae Variant Classification Sherloc (09022015). Collection method: clinical testing. Allele origin: germline.
Comment: This variant has not been reported in the literature in individuals with PNKP-related conditions. In summary, the available evidence is currently insufficient to determine the role of this variant in disease. Therefore, it has been classified as a Variant of Uncertain Significance. Algorithms developed to predict the effect of missense changes on protein structure and function are either unavailable or do not agree on the potential impact of this missense change (SIFT: "Deleterious"; PolyPhen-2: "Possibly Damaging"; Align-GVGD: "Class C0"). This variant is not present in population databases (ExAC no frequency). This sequence change replaces valine with aspartic acid at codon 54 of the PNKP protein (p.Val54Asp). The valine residue is weakly conserved and there is a large physicochemical difference between valine and aspartic acid.